The following is an entry in ClinVar:

NM_001754.5(RUNX1):c.296G>A (p.Cys99Tyr)

Gene: RUNX1 (RUNX family transcription factor 1; minus strand). Cytogenetic location: 21q22.12.
Variant type: single nucleotide variant.
Coding change: c.296G>A on transcript NM_001754.5 (MANE Select); coding-DNA position 296, G replaced by A.
Protein change: p.Cys99Tyr; replaces cysteine 99 with tyrosine.
Molecular consequence: missense variant.
Genome position (GRCh38, 1-based): chr21:34,886,898, C>T on the plus strand (G>A on the coding strand, the complement: RUNX1 is on the minus strand). VCF-style: chr21-34886898-C-T. GRCh37 (hg19) VCF-style: chr21-36259195-C-T.
Other names: NM_001754.5(RUNX1):c.296G>A; p.Cys99Tyr; c.215G>A, p.Cys72Tyr (NM_001001890.3, NM_001122607.2); short protein forms C72Y, C99Y.
Identifiers: ClinVar variation 1321699 (VCV001321699.3), dbSNP rs2146409178, ClinGen allele CA410203612.
Genomic context (GRCh38, chr21:34,886,898, plus strand): 5'-AGTACCTTGAAAGCGATGGGCAGGGTCTTGTTGCAGCGCCAGTGCGTAGGCAGCACGGAG[C>T]AGAGGAAGTTGGGGCTGTCGGTGCGCACCAGCTCGCCCGGGTGGTCGGCCAGCACCTCCA-3'
Protein context (NP_001745.2, residues 89-109): LVRTDSPNFL[Cys99Tyr]SVLPTHWRCN

ClinVar aggregate classification (germline): Uncertain significance. Review status: reviewed by expert panel (3 of 4 stars). 2 submissions from 2 submitters: Uncertain significance (1). 1 of the submissions does not count toward it. Last evaluated 2024-07-17.

Conditions:
Hereditary thrombocytopenia and hematologic cancer predisposition syndrome. Identifiers: Orphanet 71290, MedGen CN281654, MONDO:0011071.

Submissions (2):

ClinGen Myeloid Malignancy Variant Curation Expert Panel
Classification: Uncertain significance for Hereditary thrombocytopenia and hematologic cancer predisposition syndrome. Last evaluated: 2024-07-17. Review status: reviewed by expert panel. Criteria: ClinGen MyeloMalig ACMG Specifications v2. Collection method: curation. Allele origin: germline. Inheritance: Autosomal dominant inheritance.
Comment: NM_001754.5(RUNX1):c.296G>A (p.Cys99Tyr) is a missense variant that impacts one of the residues within the runt homology domain, but not a known hotspot residue (PM1_supporting). This variant has a REVEL score >0.88 (0.963) (PP3) and is completely absent from all population databases with at least 20x coverage for RUNX1 in gnomAD v2.1.1 and v3.1.2 (PM2_supporting). It has been reported in two probands meeting at least one of the RUNX1-phenotypic criteria (PS4_Moderate; PMID: 30291338, PMID: 36436542). Additionally, this variant was reported in ClinVar in 2021 by GeneDx, but the affected status of the proband is unknown (Variation ID 1321699). In summary, the clinical significance of this variant is uncertain. ACMG/AMP criteria have been applied as specified by the Myeloid Malignancy Variant Curation Expert Panel for RUNX1: PM2_supporting, PP3, PM1_supporting, PS4_Moderate.

GeneDx
Classification: Uncertain significance. Last evaluated: 2021-05-10. Review status: criteria provided, single submitter. Criteria: GeneDx Variant Classification Process June 2021. Collection method: clinical testing. Allele origin: germline. Affected: yes. Not counted in ClinVar's aggregate classification.
Comment: Not observed in large population cohorts (Lek 2016); In silico analysis supports that this missense variant has a deleterious effect on protein structure/function; Has not been previously published as pathogenic or benign to our knowledge; This variant is associated with the following publications: (PMID: 21828118)